The following is an entry in ClinVar:

ClinVar aggregate classification (germline): Likely pathogenic (1 of 4 stars; one submission).

Conditions:
Abetalipoproteinaemia (ABL). Also called: Congenital betalipoprotein deficiency syndrome; MTP DEFICIENCY; Abetalipoproteinemia; Abetalipoproteinemia neuropathy; Apolipoprotein B deficiency. Identifiers: Orphanet 14, MedGen C0000744, MONDO:0008692, OMIM 200100, HP:0008181.

Submission:

Natera, Inc.
Classification: Likely pathogenic for Abetalipoproteinemia. Last evaluated: 2025-01-27. Review status: criteria provided, single submitter. Criteria: Natera Variant Classification Schema (03/2026). Collection method: clinical testing. Allele origin: germline.
Comment: The c.236dup variant in MTTP is a frameshift variant predicted to shift the reading frame beginning at codon 79 and leads to a stop codon 12 codons downstream. This variant is expected to result in nonsense mediated decay, truncation, or a dysfunctional protein product. This variant is rare in the general population with a frequency below the threshold expected for the associated phenotype(s). Given the available evidence, this variant is classified as Likely Pathogenic.

NM_001386140.1(MTTP):c.236dup (p.Leu79fs)

Gene: MTTP (microsomal triglyceride transfer protein; plus strand). Cytogenetic location: 4q23.
Variant type: Duplication.
Coding change: c.236dup on transcript NM_001386140.1 (MANE Select); coding-DNA position 236, one base duplicated (T; older notation c.236dupT).
Protein change: p.Leu79fs; shifts the reading frame from leucine 79.
Molecular consequence: frameshift variant. On other transcripts: 5 prime UTR variant (1).
Genome position (GRCh38, 1-based): chr4:99,582,079, T duplicated; the last of 2 consecutive T bases (chr4:99,582,078-99,582,079); duplicating either gives the same sequence. VCF-style (leftmost placement, unchanged base first): chr4-99582077-G-GT. GRCh37 (hg19) VCF-style: chr4-100503234-G-GT.
Other names: c.236dup, p.Leu79fs (NM_000253.4); c.-14dup (NM_001300785.2); short protein forms L79fs.
Identifiers: ClinVar variation 4058055 (VCV004058055.2).
Genomic context (GRCh38, chr4:99,582,077, plus strand): 5'-CATTTCCTCCAACGTGGATGTGGCCTTACTATGGAGGAATCCTGATGGTGATGATGACCA[G>GT]TTGATCCAAATAACGGTGGGCATTTTCTACCAGATAAATGCAAAGATTAGATATCAGAAG-3'